The following is an entry in ClinVar:

NM_003136.4(SRP54):c.973+6T>A

Gene: SRP54 (signal recognition particle 54; plus strand). Cytogenetic location: 14q13.2.
Variant type: single nucleotide variant.
Coding change: c.973+6T>A on transcript NM_003136.4 (MANE Select); 6 bases into the intron after coding-DNA position 973, T replaced by A.
Molecular consequence: intron variant.
Genome position (GRCh38, 1-based): chr14:35,014,836, T>A. VCF-style: chr14-35014836-T-A. GRCh37 (hg19) VCF-style: chr14-35484042-T-A.
Other names: c.973+6T>A (NM_001411017.1, NM_001440813.1); c.826+6T>A (NM_001146282.2).
Identifiers: ClinVar variation 4855022 (VCV004855022.1).

ClinVar aggregate classification (germline): Uncertain significance (1 of 4 stars; one submission).

Conditions:
Neutropenia, severe congenital, 8, autosomal dominant. Also called: NEUTROPENIA, SEVERE CONGENITAL, 8, AUTOSOMAL DOMINANT, WITH OR WITHOUT PANCREATIC DYSFUNCTION AND/OR NEUROLOGIC ABNORMALITIES; SHWACHMAN-DIAMOND SYNDROME-LIKE. Identifiers: Orphanet 675767, MedGen C5203411, MONDO:0032899, OMIM 618752.

Submission:

3billion
Classification: Uncertain significance for Neutropenia, severe congenital, 8, autosomal dominant. Last evaluated: 2025-12-26. Review status: criteria provided, single submitter. Criteria: ACMG Guidelines, 2015. Collection method: clinical testing. Allele origin: germline. Affected: yes.
Comment: The variant is not observed in the gnomAD v4.1.0 dataset. Predicted Consequence/Location: Intron variant In silico tools predict the variant to alter splicing and produce an abnormal transcript [SpliceAI: 0.25 (>=0.2, moderate evidence for spliceogenicity)]. Therefore, this variant is classified as VUS according to the recommendation of ACMG/AMP guideline.